The following is an entry in ClinVar:

ClinVar aggregate classification (germline): Uncertain significance (1 of 4 stars; one submission).

gnomAD v4.1: 2 of 1,613,824 alleles (0.00012%); highest among the groups gnomAD compares: Non-Finnish European, 0.00017%; no homozygotes.

Submission:

Labcorp Genetics (formerly Invitae), Labcorp
Classification: Uncertain significance. Last evaluated: 2023-08-10. Review status: criteria provided, single submitter. Criteria: Invitae Variant Classification Sherloc (09022015). Collection method: clinical testing. Allele origin: germline.
Comment: This sequence change replaces proline, which is neutral and non-polar, with serine, which is neutral and polar, at codon 413 of the KIF22 protein (p.Pro413Ser). This variant is not present in population databases (gnomAD no frequency). This variant has not been reported in the literature in individuals affected with KIF22-related conditions. Advanced modeling of protein sequence and biophysical properties (such as structural, functional, and spatial information, amino acid conservation, physicochemical variation, residue mobility, and thermodynamic stability) performed at Invitae indicates that this missense variant is not expected to disrupt KIF22 protein function. In summary, the available evidence is currently insufficient to determine the role of this variant in disease. Therefore, it has been classified as a Variant of Uncertain Significance.

NM_007317.3(KIF22):c.1237C>T (p.Pro413Ser)

Gene: KIF22 (kinesin family member 22; plus strand). Cytogenetic location: 16p11.2.
Variant type: single nucleotide variant.
Coding change: c.1237C>T on transcript NM_007317.3 (MANE Select); coding-DNA position 1237, C replaced by T.
Protein change: p.Pro413Ser; replaces proline 413 with serine.
Molecular consequence: missense variant.
Genome position (GRCh38, 1-based): chr16:29,800,005, C>T. VCF-style: chr16-29800005-C-T. GRCh37 (hg19) VCF-style: chr16-29811326-C-T.
Other names: c.1033C>T, p.Pro345Ser (NM_001256269.2, NM_001256270.1); short protein forms P345S, P413S.
Identifiers: ClinVar variation 2751756 (VCV002751756.3), dbSNP rs2543275431, ClinGen allele CA395455459.
Genomic context (GRCh38, chr16:29,800,005, plus strand): 5'-TTGCTTGGTCCACCAGAGGCAAAGAGAGCCCGAGGCCCTGAGGAAGAGGAGATCGGGAGC[C>T]CTGAGCCCATGGCAGCTCCAGCCTCTGCCTCCCAGAAACTCAGGTGAGCAGTGGGGCCTT-3'
Protein context (NP_015556.1, residues 403-423): RGPEEEEIGS[Pro413Ser]EPMAAPASAS